The following is an entry in ClinVar:

NM_000875.5(IGF1R):c.2815G>A (p.Ala939Thr)

Gene: IGF1R (insulin like growth factor 1 receptor; plus strand). Cytogenetic location: 15q26.3.
Variant type: single nucleotide variant.
Coding change: c.2815G>A on transcript NM_000875.5 (MANE Select); coding-DNA position 2815, G replaced by A.
Protein change: p.Ala939Thr; replaces alanine 939 with threonine.
Molecular consequence: missense variant.
Genome position (GRCh38, 1-based): chr15:98,929,590, G>A. VCF-style: chr15-98929590-G-A. GRCh37 (hg19) VCF-style: chr15-99472819-G-A.
Other names: c.2812G>A, p.Ala938Thr (NM_001291858.2); short protein forms A939T, A938T.
Identifiers: ClinVar variation 594355 (VCV000594355.9), dbSNP rs755569322, ClinGen allele CA7752522.

ClinVar aggregate classification (germline): Uncertain significance. Review status: criteria provided, multiple submitters, no conflicts (2 of 4 stars). 2 submissions from 2 submitters: Uncertain significance (2). Last evaluated 2023-01-24.

Allele frequency attached by ClinVar (database versions not stated): ExAC 0.00001; gnomAD 0.00004; TOPMed 0.00005.
gnomAD v4.1: 41 of 1,613,872 alleles (0.0025%); highest among the groups gnomAD compares: African/African-American, 0.011%; no homozygotes.

Submissions (2):

Labcorp Genetics (formerly Invitae), Labcorp
Classification: Uncertain significance. Last evaluated: 2023-01-24. Review status: criteria provided, single submitter. Criteria: Invitae Variant Classification Sherloc (09022015). Collection method: clinical testing. Allele origin: germline.
Comment: In summary, the available evidence is currently insufficient to determine the role of this variant in disease. Therefore, it has been classified as a Variant of Uncertain Significance. Advanced modeling of protein sequence and biophysical properties (such as structural, functional, and spatial information, amino acid conservation, physicochemical variation, residue mobility, and thermodynamic stability) performed at Invitae indicates that this missense variant is not expected to disrupt IGF1R protein function. ClinVar contains an entry for this variant (Variation ID: 594355). This variant has not been reported in the literature in individuals affected with IGF1R-related conditions. This variant is present in population databases (rs755569322, gnomAD 0.007%). This sequence change replaces alanine, which is neutral and non-polar, with threonine, which is neutral and polar, at codon 939 of the IGF1R protein (p.Ala939Thr).

Eurofins Ntd Llc (ga)
Classification: Uncertain significance. Last evaluated: 2017-10-23. Review status: criteria provided, single submitter. Criteria: EGL Classification Definitions 2015. Collection method: clinical testing. Allele origin: germline. Observed: 1 variant allele, 1 heterozygote.